The following is an entry in ClinVar:

ClinVar aggregate classification (germline): Uncertain significance. Review status: criteria provided, multiple submitters, no conflicts (2 of 4 stars). 3 submissions from 3 submitters: Uncertain significance (3). Last evaluated 2021-08-26.

Conditions:
MHC class II deficiency. Also called: Bare lymphocyte syndrome 2; BLS, TYPE II. Identifiers: Orphanet 572, MedGen C5447452, MONDO:0008855.

Allele frequency attached by ClinVar (database versions not stated): TOPMed 0.00005; gnomAD exomes 0.00006; ESP Exome Variant Server 0.00008; gnomAD 0.00009; ExAC 0.00010.
gnomAD v4.1: 95 of 1,614,098 alleles (0.0059%); highest among the groups gnomAD compares: African/African-American, 0.011%; no homozygotes.

Submissions (3):

Labcorp Genetics (formerly Invitae), Labcorp
Classification: Uncertain significance for MHC class II deficiency. Last evaluated: 2021-08-26. Review status: criteria provided, single submitter. Criteria: Invitae Variant Classification Sherloc (09022015). Collection method: clinical testing. Allele origin: germline.
Comment: This sequence change replaces valine with isoleucine at codon 1079 of the CIITA protein (p.Val1079Ile). The valine residue is moderately conserved and there is a small physicochemical difference between valine and isoleucine. This variant is present in population databases (rs150452306, ExAC 0.02%). This variant has not been reported in the literature in individuals affected with CIITA-related conditions. Algorithms developed to predict the effect of missense changes on protein structure and function are either unavailable or do not agree on the potential impact of this missense change (SIFT: "Tolerated"; PolyPhen-2: "Possibly Damaging"; Align-GVGD: "Class C0"). In summary, the available evidence is currently insufficient to determine the role of this variant in disease. Therefore, it has been classified as a Variant of Uncertain Significance.

Blueprint Genetics
Classification: Uncertain significance. Last evaluated: 2020-04-16. Review status: criteria provided, single submitter. Criteria: ACMG Guidelines, 2015. Collection method: clinical testing. Allele origin: germline.

Illumina Laboratory Services, Illumina
Classification: Uncertain significance for MHC class II deficiency 1. Last evaluated: 2018-01-12. Review status: criteria provided, single submitter. Criteria: ICSL Variant Classification Criteria 13 December 2019. Collection method: clinical testing. Allele origin: germline.

NM_000246.4(CIITA):c.3235G>A (p.Val1079Ile)

Gene: CIITA (class II major histocompatibility complex transactivator; plus strand). Cytogenetic location: 16p13.13.
Variant type: single nucleotide variant.
Coding change: c.3235G>A on transcript NM_000246.4 (MANE Select); coding-DNA position 3235, G replaced by A.
Protein change: p.Val1079Ile; replaces valine 1079 with isoleucine.
Molecular consequence: missense variant. On other transcripts: non-coding transcript variant (1).
Genome position (GRCh38, 1-based): chr16:10,922,408, G>A. VCF-style: chr16-10922408-G-A. GRCh37 (hg19) VCF-style: chr16-11016265-G-A.
Other names: c.3238G>A, p.Val1080Ile (NM_001286402.1, NM_001379332.1); c.1483G>A, p.Val495Ile (NM_001286403.2); c.3091G>A, p.Val1031Ile (NM_001379330.1); c.3088G>A, p.Val1030Ile (NM_001379331.1); c.3235G>A, p.Val1079Ile (NM_001379333.1); c.3166G>A, p.Val1056Ile (NM_001379334.1); short protein forms V1079I, V1080I, V495I, V1030I, V1031I, V1056I.
Identifiers: ClinVar variation 886530 (VCV000886530.6), dbSNP rs150452306, ClinGen allele CA7900752.
Genomic context (GRCh38, chr16:10,922,408, plus strand): 5'-CTTGGTCTGGAGCTGGGGAGTCCCAAGGGCCAGGCCCCAAGGTGAGTTTCTCTTGCCAGC[G>A]TCCAGTACAACAAGTTCACGGCTGCCGGGGCCCAGCAGCTCGCTGCCAGCCTTCGGAGGT-3'
Protein context (NP_000237.2, residues 1069-1089): PDMVSLRVMD[Val1079Ile]QYNKFTAAGA